The following is an entry in ClinVar:

NM_001193489.2(SECISBP2L):c.3066A>T (p.Ser1022=)

Gene: SECISBP2L (SECIS binding protein 2 like; minus strand). Cytogenetic location: 15q21.1.
Variant type: single nucleotide variant.
Coding change: c.3066A>T on transcript NM_001193489.2 (MANE Select); coding-DNA position 3066, A replaced by T.
Protein change: p.Ser1022=; no amino-acid change (serine 1022 retained).
Molecular consequence: synonymous variant.
Genome position (GRCh38, 1-based): chr15:48,992,484, T>A on the plus strand (A>T on the coding strand, the complement: SECISBP2L is on the minus strand). VCF-style: chr15-48992484-T-A. GRCh37 (hg19) VCF-style: chr15-49284681-T-A.
Other names: c.2931A>T, p.Ser977= (NM_014701.4).
Identifiers: ClinVar variation 3234359 (VCV003234359.20), dbSNP rs2504609131, ClinGen allele CA490312844.

ClinVar aggregate classification (germline): Likely benign (1 of 4 stars; one submission).

Submission:

CeGaT Center for Human Genetics Tuebingen
Classification: Likely benign. Last evaluated: 2024-03-01. Review status: criteria provided, single submitter. Criteria: CeGaT Center For Human Genetics Tuebingen Variant Classification Criteria Version 2. Collection method: clinical testing. Allele origin: germline. Affected: yes. Observed: 1 variant allele.
Comment: SECISBP2L: PM2:Supporting, BP4, BP7